The following is an entry in ClinVar:

ClinVar aggregate classification (germline): Uncertain significance (1 of 4 stars; one submission).

Conditions:
Congenital disorder of deglycosylation (CDDG). Identifiers: MedGen C3808991, MONDO:0031376.

Submission:

Labcorp Genetics (formerly Invitae), Labcorp
Classification: Uncertain significance for Congenital disorder of deglycosylation. Last evaluated: 2020-05-26. Review status: criteria provided, single submitter. Criteria: Invitae Variant Classification Sherloc (09022015). Collection method: clinical testing. Allele origin: germline.
Comment: In summary, the available evidence is currently insufficient to determine the role of this variant in disease. Therefore, it has been classified as a Variant of Uncertain Significance. Algorithms developed to predict the effect of missense changes on protein structure and function are either unavailable or do not agree on the potential impact of this missense change (SIFT: "Not Available"; PolyPhen-2: "Benign"; Align-GVGD: "Not Available"). This variant has not been reported in the literature in individuals with NGLY1-related conditions. This variant is not present in population databases (ExAC no frequency). This sequence change replaces threonine with tyrosine at codon 449 of the NGLY1 protein (p.Thr449Tyr). The threonine residue is moderately conserved and there is a moderate physicochemical difference between threonine and tyrosine.

NM_018297.4(NGLY1):c.1345_1346delinsTA (p.Thr449Tyr)

Gene: NGLY1 (N-glycanase 1; minus strand). Cytogenetic location: 3p24.2.
Variant type: Indel.
Coding change: c.1345_1346delinsTA on transcript NM_018297.4 (MANE Select); coding-DNA positions 1345 to 1346, AC replaced by TA.
Protein change: p.Thr449Tyr; replaces threonine 449 with tyrosine.
Molecular consequence: missense variant.
Genome position (GRCh38, 1-based): chr3:25,732,398-25,732,399, GT replaced by TA on the plus strand (AC replaced by TA on the coding strand, the reverse complement: NGLY1 is on the minus strand). VCF-style: chr3-25732398-GT-TA. GRCh37 (hg19) VCF-style: chr3-25773889-GT-TA.
Other names: c.1291_1292delinsTA, p.Thr431Tyr (NM_001145293.2); c.1219_1220delinsTA, p.Thr407Tyr (NM_001145294.2); c.1345_1346delinsTA, p.Thr449Tyr (NM_001145295.2); short protein forms T407Y, T431Y, T449Y.
Identifiers: ClinVar variation 1007406 (VCV001007406.3), dbSNP rs1705583019, ClinGen allele CA1352481081.